The following is an entry in ClinVar:

NM_006521.6(TFE3):c.560C>A (p.Thr187Lys)

Gene: TFE3 (transcription factor binding to IGHM enhancer 3; minus strand). Cytogenetic location: Xp11.23.
Variant type: single nucleotide variant.
Coding change: c.560C>A on transcript NM_006521.6 (MANE Select); coding-DNA position 560, C replaced by A.
Protein change: p.Thr187Lys; replaces threonine 187 with lysine.
Molecular consequence: missense variant.
Genome position (GRCh38, 1-based): chrX:49,038,417, G>T on the plus strand (C>A on the coding strand, the complement: TFE3 is on the minus strand). VCF-style: chrX-49038417-G-T. GRCh37 (hg19) VCF-style: chrX-48895942-G-T.
Other names: c.245C>A, p.Thr82Lys (NM_001282142.2); short protein forms T187K, T82K.
Identifiers: ClinVar variation 2444265 (VCV002444265.1), dbSNP rs2064742925, ClinGen allele CA412910896.
Genomic context (GRCh38, chrX:49,038,417, plus strand): 5'-AGTGTGGTGGACAGGTACTGTTTCACCTGCTGCCGGCGCGCCTGCTGCAGGTGGTAGCGC[G>T]TTGGGTTCTCCAGATGGGTCTGCACCTGTGAAATAAGGTAGACAAGGAAAGAGAGGGGAC-3'
Protein context (NP_006512.2, residues 177-197): LKVQTHLENP[Thr187Lys]RYHLQQARRQ

ClinVar aggregate classification (germline): Pathogenic (1 of 4 stars; one submission).

Conditions:
Intellectual developmental disorder, X-linked, syndromic, with pigmentary mosaicism and coarse facies. Identifiers: MedGen C5561930, MONDO:0859080, OMIM 301066.

Submission:

3billion
Classification: Pathogenic for Intellectual developmental disorder, X-linked, syndromic, with pigmentary mosaicism and coarse facies. Last evaluated: 2023-02-23. Review status: criteria provided, single submitter. Criteria: ACMG Guidelines, 2015. Collection method: clinical testing. Allele origin: unknown. Affected: yes.
Comment: The variant is not observed in the gnomAD v2.1.1 dataset. Missense changes are a common disease-causing mechanism. Same nucleotide change resulting in same amino acid change has been previously reported to be associated with TFE3 related disorder (PMID: 32409512). The variant has been previously reported as de novo in a similarly affected individual (PMID: 32409512). Different missense changes at the same codon (p.Thr187Ala, p.Thr187Met) have been reported as pathogenic/likely pathogenic with strong evidence (ClinVar ID: VCV000985315, VCV001320026). Therefore, this variant is classified as Pathogenic according to the recommendation of ACMG/AMP guideline.

Literature cited by the submitters: PubMed 32409512.